The following is an entry in ClinVar:

NM_001083116.3(PRF1):c.853A>C (p.Lys285Gln)

Gene: PRF1 (perforin 1; minus strand). Cytogenetic location: 10q22.1.
Variant type: single nucleotide variant.
Coding change: c.853A>C on transcript NM_001083116.3 (MANE Select); coding-DNA position 853, A replaced by C.
Protein change: p.Lys285Gln; replaces lysine 285 with glutamine.
Molecular consequence: missense variant.
Genome position (GRCh38, 1-based): chr10:70,598,868, T>G on the plus strand (A>C on the coding strand, the complement: PRF1 is on the minus strand). VCF-style: chr10-70598868-T-G. GRCh37 (hg19) VCF-style: chr10-72358624-T-G.
Other names: c.853A>C, p.Lys285Gln (NM_005041.6); short protein forms K285Q.
Identifiers: ClinVar variation 1430388 (VCV001430388.4), dbSNP rs753226704, ClinGen allele CA5538901.

ClinVar aggregate classification (germline): Conflicting classifications of pathogenicity. Review status: criteria provided, conflicting classifications (1 of 4 stars). 2 submissions from 2 submitters: Uncertain significance (1); Likely benign (1). Last evaluated 2021-09-08.

Conditions:
Familial hemophagocytic lymphohistiocytosis 2 (FHL2). Also called: PRF1-Related Familial Hemophagocytic Lymphohistiocytosis (PRF1-fHLH). Identifiers: Orphanet 540, MedGen C1863727, MONDO:0011337, OMIM 603553.

Allele frequency attached by ClinVar (database versions not stated): gnomAD 0.00001 and 0.00002; gnomAD exomes 0.00001; TOPMed 0.00001; ExAC 0.00002.
gnomAD v4.1: 19 of 1,591,186 alleles (0.0012%); highest among the groups gnomAD compares: South Asian, 0.0055%; no homozygotes.

Submissions (2):

Labcorp Genetics (formerly Invitae), Labcorp
Classification: Uncertain significance for Familial hemophagocytic lymphohistiocytosis 2. Last evaluated: 2021-09-08. Review status: criteria provided, single submitter. Criteria: Invitae Variant Classification Sherloc (09022015). Collection method: clinical testing. Allele origin: germline.
Comment: This sequence change replaces lysine with glutamine at codon 285 of the PRF1 protein (p.Lys285Gln). The lysine residue is highly conserved and there is a small physicochemical difference between lysine and glutamine. This variant is present in population databases (rs753226704, ExAC 0.03%). This variant has not been reported in the literature in individuals affected with PRF1-related conditions. Algorithms developed to predict the effect of missense changes on protein structure and function output the following: SIFT: "Tolerated"; PolyPhen-2: "Benign"; Align-GVGD: "Class C0". The glutamine amino acid residue is found in multiple mammalian species, which suggests that this missense change does not adversely affect protein function. In summary, the available evidence is currently insufficient to determine the role of this variant in disease. Therefore, it has been classified as a Variant of Uncertain Significance.

Blueprint Genetics
Classification: Likely benign. Last evaluated: 2021-04-06. Review status: criteria provided, single submitter. Criteria: ACMG Guidelines, 2015. Collection method: clinical testing. Allele origin: germline.